The following is an entry in ClinVar:

NM_001127222.2(CACNA1A):c.5414_5415del (p.Phe1805fs)

Gene: CACNA1A (calcium voltage-gated channel subunit alpha1 A; minus strand). Cytogenetic location: 19p13.13.
Variant type: Deletion.
Coding change: c.5414_5415del on transcript NM_001127222.2 (MANE Select); coding-DNA positions 5414 to 5415, 2 bases deleted (TT; older notation c.5414_5415delTT).
Protein change: p.Phe1805fs; shifts the reading frame from phenylalanine 1805.
Molecular consequence: frameshift variant.
Genome position (GRCh38, 1-based): chr19:13,230,195-13,230,196, AA deleted on the plus strand (TT on the coding strand, the reverse complement: CACNA1A is on the minus strand); deleting any 2 consecutive bases within chr19:13,230,195-13,230,197 gives the same sequence; the c. name uses the placement nearest the transcript's 3' end. VCF-style (leftmost placement, unchanged base first): chr19-13230194-CAA-C. GRCh37 (hg19) VCF-style: chr19-13341008-CAA-C.
Other names: c.5432_5433del, p.Phe1811fs (NM_000068.4, NM_023035.3); c.5417_5418del, p.Phe1806fs (NM_001127221.2); c.5423_5424del, p.Phe1808fs (NM_001174080.2); short protein forms F1805fs, F1806fs, F1808fs, F1811fs.
Identifiers: ClinVar variation 3376432 (VCV003376432.1).

ClinVar aggregate classification (germline): Likely pathogenic (1 of 4 stars; one submission).

Conditions:
Spinocerebellar ataxia type 6 (SCA6). Identifiers: Orphanet 98758, MedGen C0752124, MONDO:0008457, OMIM 183086.

Submission:

Pittsburgh Clinical Genomics Laboratory, University of Pittsburgh Medical Center
Classification: Likely pathogenic for Spinocerebellar ataxia type 6. Last evaluated: 2024-01-26. Review status: criteria provided, single submitter. Criteria: ACMG Guidelines, 2015. Collection method: clinical testing. Allele origin: germline. Inheritance: Autosomal dominant inheritance. Affected: yes.
Comment: This sequence variant is a two-nucleotide deletion (delTT) in exon 36 of 47 of the CACNA1A gene and results in an early termination signal 9 amino acids downstream of the frameshift at the Phe1805 codon. This variant is predicted to generate a non-functional allele through either the expression of a truncated protein or a loss of calcium voltage-gated channel subunit alpha1 A expression due to nonsense mediated decay. This variant is absent from ClinVar and has not been observed in an individual affected by a CACNA1A-related disorder in the published literature, to our knowledge. This variant is present in the from the gnomAD v4.0.0 population database (1 of 833,090 alleles, 0.0001%). Studies examining the functional consequence of this variant have not been published, to our knowledge. Haploinsufficiency in CACNA1A is a known mechanism of disease (PMID: 33737904). Based upon the evidence, we consider this variant to be likely pathogenic. ACMG Criteria: PM2, PVS1

Literature cited by the submitters: PubMed 33737904.